The following is an entry in ClinVar:

ClinVar aggregate classification (germline): Uncertain significance. Review status: criteria provided, multiple submitters, no conflicts (2 of 4 stars). 2 submissions from 2 submitters: Uncertain significance (2). Last evaluated 2023-05-15.

Conditions:
Inborn genetic diseases. Identifiers: MedGen C0950123, MeSH D030342.

Allele frequency attached by ClinVar (database versions not stated): TOPMed 0.00001.
gnomAD v4.1: 5 of 1,613,978 alleles (0.00031%); highest among the groups gnomAD compares: Non-Finnish European, 0.00042%; no homozygotes.

Submissions (2):

Labcorp Genetics (formerly Invitae), Labcorp
Classification: Uncertain significance. Last evaluated: 2023-05-15. Review status: criteria provided, single submitter. Criteria: Invitae Variant Classification Sherloc (09022015). Collection method: clinical testing. Allele origin: germline.
Comment: In summary, the available evidence is currently insufficient to determine the role of this variant in disease. Therefore, it has been classified as a Variant of Uncertain Significance. An algorithm developed to predict the effect of missense changes on protein structure and function (PolyPhen-2) suggests that this variant is likely to be tolerated. This sequence change replaces alanine, which is neutral and non-polar, with threonine, which is neutral and polar, at codon 402 of the SNRNP200 protein (p.Ala402Thr). This variant is not present in population databases (gnomAD no frequency). This variant has not been reported in the literature in individuals affected with SNRNP200-related conditions. ClinVar contains an entry for this variant (Variation ID: 1935434).

Ambry Genetics
Classification: Uncertain significance for Inborn genetic diseases. Last evaluated: 2022-12-15. Review status: criteria provided, single submitter. Criteria: Ambry Variant Classification Scheme 2023. Collection method: clinical testing. Allele origin: germline.

NM_014014.5(SNRNP200):c.1204G>A (p.Ala402Thr)

Gene: SNRNP200 (small nuclear ribonucleoprotein U5 subunit 200; minus strand). Cytogenetic location: 2q11.2.
Variant type: single nucleotide variant.
Coding change: c.1204G>A on transcript NM_014014.5 (MANE Select); coding-DNA position 1204, G replaced by A.
Protein change: p.Ala402Thr; replaces alanine 402 with threonine.
Molecular consequence: missense variant.
Genome position (GRCh38, 1-based): chr2:96,297,536, C>T on the plus strand (G>A on the coding strand, the complement: SNRNP200 is on the minus strand). VCF-style: chr2-96297536-C-T. GRCh37 (hg19) VCF-style: chr2-96963274-C-T.
Other names: short protein forms A402T.
Identifiers: ClinVar variation 1935434 (VCV001935434.6), dbSNP rs942520828, ClinGen allele CA347683466.